The following is an entry in ClinVar:

NM_001130823.3(DNMT1):c.527A>G (p.Lys176Arg)

Gene: DNMT1 (DNA methyltransferase 1; minus strand). Cytogenetic location: 19p13.2.
Variant type: single nucleotide variant.
Coding change: c.527A>G on transcript NM_001130823.3 (MANE Select); coding-DNA position 527, A replaced by G.
Protein change: p.Lys176Arg; replaces lysine 176 with arginine.
Molecular consequence: missense variant.
Genome position (GRCh38, 1-based): chr19:10,177,334, T>C on the plus strand (A>G on the coding strand, the complement: DNMT1 is on the minus strand). VCF-style: chr19-10177334-T-C. GRCh37 (hg19) VCF-style: chr19-10288010-T-C.
Other names: p.Lys176Arg; c.479A>G, p.Lys160Arg (NM_001318730.2, NM_001379.4); c.164A>G, p.Lys55Arg (NM_001318731.2); c.527A>G (NM_001130823.2, LRG_362t1); short protein forms K176R, K55R, K160R.
Identifiers: ClinVar variation 649462 (VCV000649462.26), dbSNP rs374440818, ClinGen allele CA9188704.

ClinVar aggregate classification (germline): Conflicting classifications of pathogenicity. Review status: criteria provided, conflicting classifications (1 of 4 stars). 5 submissions from 5 submitters: Uncertain significance (2); Likely benign (3). Last evaluated 2026-04-25.

Conditions:
Hereditary sensory neuropathy-deafness-dementia syndrome. Also called: NEUROPATHY, HEREDITARY SENSORY, WITH HEARING LOSS AND DEMENTIA; HSN IE; Hereditary sensory neuropathy type IE; Hereditary Sensory and Autonomic Neuropathy Type 1E (HSAN1E). Identifiers: Orphanet 456318, MedGen C3279885, MONDO:0013584, OMIM 614116.
DNMT1-related disorder. Also called: DNMT1-related condition. Identifiers: MedGen CN381527.
Inborn genetic diseases. Identifiers: MedGen C0950123, MeSH D030342.

Allele frequency attached by ClinVar (database versions not stated): gnomAD exomes 0.00002 and 0.00005; ExAC 0.00004; gnomAD 0.00005 and 0.00006; TOPMed 0.00006; ESP Exome Variant Server 0.00015.
gnomAD v4.1: 86 of 1,613,908 alleles (0.0053%); highest among the groups gnomAD compares: Non-Finnish European, 0.0062%; no homozygotes.

Submissions (5):

PreventionGenetics, part of Exact Sciences
Classification: Uncertain significance for DNMT1-related condition. Last evaluated: 2026-04-25. Review status: criteria provided, single submitter. Criteria: ACMG Guidelines, 2015. Collection method: clinical testing. Allele origin: germline.
Comment: The DNMT1 c.527A>G variant is predicted to result in the amino acid substitution p.Lys176Arg. To our knowledge, this variant has not been reported in the literature. This variant is reported in 0.0029% of alleles in individuals of Latino descent in gnomAD. At this time, the clinical significance of this variant is uncertain due to the absence of conclusive functional and genetic evidence.

CeGaT Center for Human Genetics Tuebingen
Classification: Likely benign. Last evaluated: 2026-02-01. Review status: criteria provided, single submitter. Criteria: CeGaT Center For Human Genetics Tuebingen Variant Classification Criteria Version 2. Collection method: clinical testing. Allele origin: germline. Affected: yes. Observed: 2 variant alleles.
Comment: DNMT1: BP4

Labcorp Genetics (formerly Invitae), Labcorp
Classification: Uncertain significance for Hereditary sensory neuropathy-deafness-dementia syndrome. Last evaluated: 2025-12-29. Review status: criteria provided, single submitter. Criteria: Invitae Variant Classification Sherloc (09022015). Collection method: clinical testing. Allele origin: germline.
Comment: This sequence change replaces lysine, which is basic and polar, with arginine, which is basic and polar, at codon 176 of the DNMT1 protein (p.Lys176Arg). This variant is present in population databases (rs374440818, gnomAD 0.004%). This missense change has been observed in individual(s) with clinical features of DNMT1-related conditions (internal data). ClinVar contains an entry for this variant (Variation ID: 649462). An algorithm developed to predict the effect of missense changes on protein structure and function outputs the following: PolyPhen-2: "Benign". The arginine amino acid residue is found in multiple mammalian species, which suggests that this missense change does not adversely affect protein function. In summary, the available evidence is currently insufficient to determine the role of this variant in disease. Therefore, it has been classified as a Variant of Uncertain Significance.

Mayo Clinic Laboratories, Mayo Clinic
Classification: Likely benign. Last evaluated: 2025-03-11. Review status: criteria provided, single submitter. Criteria: ACMG Guidelines, 2015. Collection method: clinical testing. Allele origin: germline. Observed: 2 variant alleles.
Comment: BS2, BP4

Ambry Genetics
Classification: Likely benign for Inborn genetic diseases. Last evaluated: 2024-01-02. Review status: criteria provided, single submitter. Criteria: Ambry Variant Classification Scheme 2023. Collection method: clinical testing. Allele origin: germline.